The following is an entry in ClinVar:

NM_000204.5(CFI):c.739T>G (p.Cys247Gly)

Gene: CFI (complement factor I; minus strand). Cytogenetic location: 4q25.
Variant type: single nucleotide variant.
Coding change: c.739T>G on transcript NM_000204.5 (MANE Select); coding-DNA position 739, T replaced by G.
Protein change: p.Cys247Gly; replaces cysteine 247 with glycine.
Molecular consequence: missense variant. On other transcripts: non-coding transcript variant (3).
Genome position (GRCh38, 1-based): chr4:109,760,556, A>C on the plus strand (T>G on the coding strand, the complement: CFI is on the minus strand). VCF-style: chr4-109760556-A-C. GRCh37 (hg19) VCF-style: chr4-110681712-A-C.
Other names: c.739T>G, p.Cys247Gly (NM_001318057.2, NM_001331035.2, NM_001375278.1 and 10 more transcripts); c.130T>G, p.Cys44Gly (NM_001375284.1); short protein forms C247G, C44G.
Identifiers: ClinVar variation 4280435 (VCV004280435.1).

ClinVar aggregate classification (germline): Pathogenic (1 of 4 stars; one submission).

Conditions:
CFI-related disorder. Also called: CFI-related condition; CFI-related disorders. Identifiers: MedGen CN239325.

Submission:

Genomenon, Inc
Classification: Pathogenic for CFI-related disorder. Last evaluated: 2025-09-26. Review status: criteria provided, single submitter. Criteria: Genomenon Sequence Variant Interpretation Standards - Updated. Collection method: curation. Allele origin: germline. Affected: yes.
Comment: CFI p.Cys247Gly (c.739T>G) is a missense variant that changes the amino acid at residue 247 from Cysteine to Glycine. This variant has been observed in at least one proband affected with a CFI-related disorder (PMID:19459807;31694864;23431077;18374984). The variant was found to segregate with disease in at least one affected family (PMID:18374984). At least one functional study has demonstrated a substantial alteration in protein function relative to the wild-type (PMID:37363824;32510551). The variant is located in a mutational hotspot. It is absent or not present at a significant frequency in gnomAD. In silico models agree that this variant is possibly or probably damaging. In conclusion, we classify CFI p.Cys247Gly (c.739T>G) as a pathogenic variant.

Literature cited by the submitters: PubMed 19459807; 31694864; 23431077; 18374984; 37363824; 32510551.